The following is an entry in ClinVar:

ClinVar aggregate classification (germline): Uncertain significance (1 of 4 stars; one submission).

Conditions:
Glycogen storage disease type III (GSD3). Also called: Cori disease; FORBES DISEASE. Identifiers: Orphanet 366, MedGen C0017922, MONDO:0009291, OMIM 232400.

Allele frequency attached by ClinVar (database versions not stated): gnomAD exomes 0.00001.
gnomAD v4.1: 4 of 1,613,626 alleles (0.00025%); highest among the groups gnomAD compares: Non-Finnish European, 0.00034%; no homozygotes.

Submission:

Labcorp Genetics (formerly Invitae), Labcorp
Classification: Uncertain significance for Glycogen storage disease type III. Last evaluated: 2025-01-14. Review status: criteria provided, single submitter. Criteria: Invitae Variant Classification Sherloc (09022015). Collection method: clinical testing. Allele origin: germline.
Comment: This sequence change replaces aspartic acid, which is acidic and polar, with asparagine, which is neutral and polar, at codon 918 of the AGL protein (p.Asp918Asn). This variant is not present in population databases (gnomAD no frequency). This variant has not been reported in the literature in individuals affected with AGL-related conditions. ClinVar contains an entry for this variant (Variation ID: 2168104). Invitae Evidence Modeling of protein sequence and biophysical properties (such as structural, functional, and spatial information, amino acid conservation, physicochemical variation, residue mobility, and thermodynamic stability) indicates that this missense variant is not expected to disrupt AGL protein function with a negative predictive value of 80%. In summary, the available evidence is currently insufficient to determine the role of this variant in disease. Therefore, it has been classified as a Variant of Uncertain Significance.

NM_000642.3(AGL):c.2752G>A (p.Asp918Asn)

Gene: AGL (amylo-alpha-1,6-glucosidase and 4-alpha-glucanotransferase; plus strand). Cytogenetic location: 1p21.2.
Variant type: single nucleotide variant.
Coding change: c.2752G>A on transcript NM_000642.3 (MANE Select); coding-DNA position 2752, G replaced by A.
Protein change: p.Asp918Asn; replaces aspartic acid 918 with asparagine.
Molecular consequence: missense variant.
Genome position (GRCh38, 1-based): chr1:99,888,048, G>A. VCF-style: chr1-99888048-G-A. GRCh37 (hg19) VCF-style: chr1-100353604-G-A.
Other names: c.2752G>A, p.Asp918Asn (NM_000028.3, NM_000643.3, NM_000644.3 and 2 more transcripts); c.2704G>A, p.Asp902Asn (NM_000646.3); c.2551G>A, p.Asp851Asn (NM_001425327.1); c.2548G>A, p.Asp850Asn (NM_001425328.1); c.2413G>A, p.Asp805Asn (NM_001425329.1); c.2374G>A, p.Asp792Asn (NM_001425332.1); short protein forms D902N, D918N, D792N, D805N, D850N, D851N.
Identifiers: ClinVar variation 2168104 (VCV002168104.3), dbSNP rs2524699816, ClinGen allele CA341323120.
Genomic context (GRCh38, chr1:99,888,048, plus strand): 5'-AGATTAACTTTGGCTGAGCTAAATCAGATCCTTTACCGATGTGAATCAGAAGAAAAGGAA[G>A]ATGGTGGAGGGTGCTATGACATACCAAACTGGTCAGCCCTTAAATATGCAGGTCTTCAAG-3'
Protein context (NP_000633.2, residues 908-928): LYRCESEEKE[Asp918Asn]GGGCYDIPNW